The following is an entry in ClinVar:

ClinVar aggregate classification (germline): Uncertain significance. Review status: criteria provided, multiple submitters, no conflicts (2 of 4 stars). 2 submissions from 2 submitters: Uncertain significance (2). Last evaluated 2023-09-20.

Conditions:
Ataxia-telangiectasia syndrome (AT). Also called: Ataxia-telangiectasia, complementation group D; AT, COMPLEMENTATION GROUP C; Ataxia telangiectasia (A-T); Cerebello-oculocutaneous telangiectasia; Immunodeficiency with ataxia telangiectasia; ATAXIA-TELANGIECTASIA, COMPLEMENTATION GROUP A. Identifiers: Orphanet 100, MedGen C0004135, MONDO:0008840, OMIM 208900.
Hereditary cancer-predisposing syndrome. Also called: Neoplastic Syndromes, Hereditary; Hereditary neoplastic syndrome; Tumor predisposition; Hereditary Cancer Syndrome. Identifiers: Orphanet 140162, MedGen C0027672, MeSH D009386, MONDO:0015356.

gnomAD v4.1: 2 of 1,613,866 alleles (0.00012%); highest among the groups gnomAD compares: Non-Finnish European, 0.00017%; no homozygotes.

Submissions (2):

Ambry Genetics
Classification: Uncertain significance for Hereditary cancer-predisposing syndrome. Last evaluated: 2023-09-20. Review status: criteria provided, single submitter. Criteria: Ambry Variant Classification Scheme 2023. Collection method: clinical testing. Allele origin: germline.
Comment: The p.L890V variant (also known as c.2668C>G), located in coding exon 17 of the ATM gene, results from a C to G substitution at nucleotide position 2668. The leucine at codon 890 is replaced by valine, an amino acid with highly similar properties. This amino acid position is highly conserved in available vertebrate species. In addition, the in silico prediction for this alteration is inconclusive.Since supporting evidence is limited at this time, the clinical significance of this alteration remains unclear.

Labcorp Genetics (formerly Invitae), Labcorp
Classification: Uncertain significance for Ataxia-telangiectasia syndrome. Last evaluated: 2022-09-09. Review status: criteria provided, single submitter. Criteria: Invitae Variant Classification Sherloc (09022015). Collection method: clinical testing. Allele origin: germline.
Comment: This sequence change replaces leucine, which is neutral and non-polar, with valine, which is neutral and non-polar, at codon 890 of the ATM protein (p.Leu890Val). This variant is present in population databases (no rsID available, gnomAD 0.0009%). This variant has not been reported in the literature in individuals affected with ATM-related conditions. ClinVar contains an entry for this variant (Variation ID: 660002). Algorithms developed to predict the effect of missense changes on protein structure and function (SIFT, PolyPhen-2, Align-GVGD) all suggest that this variant is likely to be disruptive. In summary, the available evidence is currently insufficient to determine the role of this variant in disease. Therefore, it has been classified as a Variant of Uncertain Significance.

NM_000051.4(ATM):c.2668C>G (p.Leu890Val)

Gene: ATM (ATM serine/threonine kinase; plus strand). Cytogenetic location: 11q22.3.
Variant type: single nucleotide variant.
Coding change: c.2668C>G on transcript NM_000051.4 (MANE Select); coding-DNA position 2668, C replaced by G.
Protein change: p.Leu890Val; replaces leucine 890 with valine.
Molecular consequence: missense variant.
Genome position (GRCh38, 1-based): chr11:108,268,439, C>G. VCF-style: chr11-108268439-C-G. GRCh37 (hg19) VCF-style: chr11-108139166-C-G.
Other names: c.2668C>G, p.Leu890Val (NM_001351834.2); short protein forms L890V.
Identifiers: ClinVar variation 660002 (VCV000660002.6), dbSNP rs937133424, ClinGen allele CA382545094.